The following is an entry in ClinVar:

NM_001267550.2(TTN):c.45185T>C (p.Ile15062Thr)

Genes: TTN (titin; minus strand), LOC126806427 (BRD4-independent group 4 enhancer GRCh37_chr2:179485777-179486976; plus strand). Cytogenetic location: 2q31.2.
Variant type: single nucleotide variant.
Coding change: c.45185T>C on transcript NM_001267550.2 (MANE Select); coding-DNA position 45185, T replaced by C.
Protein change: p.Ile15062Thr; replaces isoleucine 15062 with threonine.
Molecular consequence: missense variant.
Genome position (GRCh38, 1-based): chr2:178,621,639, A>G on the plus strand (T>C on the coding strand, the complement: TTN is on the minus strand). VCF-style: chr2-178621639-A-G. GRCh37 (hg19) VCF-style: chr2-179486366-A-G.
Other names: c.40262T>C, p.Ile13421Thr (NM_001256850.1); c.17990T>C, p.Ile5997Thr (NM_003319.4); c.37481T>C, p.Ile12494Thr (NM_133378.4); c.18365T>C, p.Ile6122Thr (NM_133432.3); c.18566T>C, p.Ile6189Thr (NM_133437.4); short protein forms I15062T, I5997T, I13421T, I12494T, I6122T, I6189T.
Identifiers: ClinVar variation 518690 (VCV000518690.10), dbSNP rs373627060, ClinGen allele CA1995482.

ClinVar aggregate classification (germline): Uncertain significance. Review status: criteria provided, multiple submitters, no conflicts (2 of 4 stars). 4 submissions from 4 submitters: Uncertain significance (4). Last evaluated 2025-10-21.

Conditions:
Cardiovascular phenotype. Identifiers: MedGen CN230736.
TTN-related disorder. Also called: TTN-related condition; TTN-related disease; TTN-related disorders.

Allele frequency attached by ClinVar (database versions not stated): gnomAD 0.00001 and 0.00002; TOPMed 0.00001; gnomAD exomes 0.00002 and 0.00006; ExAC 0.00008; ESP Exome Variant Server 0.00008; 1000 Genomes Project 30x 0.00016; 1000 Genomes Project 0.00020.
gnomAD v4.1: 37 of 1,612,384 alleles (0.0023%); highest among the groups gnomAD compares: South Asian, 0.034%; no homozygotes.

Submissions (4):

PreventionGenetics, part of Exact Sciences
Classification: Uncertain significance for TTN-related condition. Last evaluated: 2025-10-21. Review status: criteria provided, single submitter. Criteria: ACMG Guidelines, 2015. Collection method: clinical testing. Allele origin: germline.
Comment: The TTN c.45185T>C variant is predicted to result in the amino acid substitution p.Ile15062Thr. To our knowledge, this variant has not been reported in the literature or in a large population database (gnomAD), indicating this variant is rare. At this time, the clinical significance of this variant is uncertain due to the absence of conclusive functional and genetic evidence.

Women's Health and Genetics/Laboratory Corporation of America, LabCorp
Classification: Uncertain significance. Last evaluated: 2025-05-12. Review status: criteria provided, single submitter. Criteria: LabCorp Variant Classification Summary - May 2015. Collection method: clinical testing. Allele origin: germline.
Comment: Variant summary: TTN c.37481T>C (p.Ile12494Thr) results in a non-conservative amino acid change in the encoded protein sequence. Algorithms developed to predict the effect of missense changes on protein structure and function are either unavailable or do not agree on the potential impact of this missense change. The variant allele was found at a frequency of 2.3e-05 in 1612384 control chromosomes. This frequency is not significantly higher than estimated for a pathogenic variant in TTN causing Dilated Cardiomyopathy (2.3e-05 vs 0.00039), allowing no conclusion about variant significance. To our knowledge, no occurrence of c.37481T>C in individuals affected with TTN-related conditions and no experimental evidence demonstrating its impact on protein function have been reported. ClinVar contains an entry for this variant (Variation ID: 518690). Based on the evidence outlined above, the variant was classified as uncertain significance.

Revvity Omics, Revvity
Classification: Uncertain significance. Last evaluated: 2020-07-24. Review status: criteria provided, single submitter. Criteria: ACMG Guidelines, 2015. Collection method: clinical testing. Allele origin: germline.

Ambry Genetics
Classification: Uncertain significance for Cardiovascular phenotype. Last evaluated: 2017-07-19. Review status: criteria provided, single submitter. Criteria: Ambry Variant Classification Scheme 2023. Collection method: clinical testing. Allele origin: germline.
Comment: The p.I5997T variant (also known as c.17990T>C), located in coding exon 72 of the TTN gene, results from a T to C substitution at nucleotide position 17990. The isoleucine at codon 5997 is replaced by threonine, an amino acid with similar properties. This amino acid position is poorly conserved in available vertebrate species, and threonine is the reference amino acid in other vertebrate species. In addition, this alteration is predicted to be tolerated by in silico analysis. Since supporting evidence is limited at this time, the clinical significance of this alteration remains unclear.